The following is an entry in ClinVar:

NM_015295.3(SMCHD1):c.437C>T (p.Ala146Val)

Gene: SMCHD1 (structural maintenance of chromosomes flexible hinge domain containing 1; plus strand). Cytogenetic location: 18p11.32.
Variant type: single nucleotide variant.
Coding change: c.437C>T on transcript NM_015295.3 (MANE Select); coding-DNA position 437, C replaced by T.
Protein change: p.Ala146Val; replaces alanine 146 with valine.
Molecular consequence: missense variant.
Genome position (GRCh38, 1-based): chr18:2,673,293, C>T. VCF-style: chr18-2673293-C-T. GRCh37 (hg19) VCF-style: chr18-2673292-C-T.
Other names: short protein forms A146V.
Identifiers: ClinVar variation 288437 (VCV000288437.8), dbSNP rs886043899, ClinGen allele CA10606090.
Genomic context (GRCh38, chr18:2,673,293, plus strand): 5'-AGTATGTGGGAGGGAAAAGTTAAGCAATGTTTTCTTGATCTCTTGCAGCATTTGCTCTTG[C>T]GGAATTAATTGACAATTCATTGTCTGCTACTTCTCGTAACATTGGGGTTAGAAGAATACA-3'
Protein context (NP_056110.2, residues 136-156): EGQNPLPFAL[Ala146Val]ELIDNSLSAT

ClinVar aggregate classification (germline): Uncertain significance. Review status: criteria provided, multiple submitters, no conflicts (2 of 4 stars). 2 submissions from 2 submitters: Uncertain significance (2). Last evaluated 2025-09-10.

Conditions:
Facioscapulohumeral muscular dystrophy 2 (FSHD2). Also called: FACIOSCAPULOHUMERAL MUSCULAR DYSTROPHY 2, DIGENIC; FSHD2, DIGENIC; MUSCULAR DYSTROPHY, FACIOSCAPULOHUMERAL, TYPE 1B. Identifiers: Orphanet 269, MedGen C1834671, MONDO:0008031, OMIM 158901.

Allele frequency attached by ClinVar (database versions not stated): TOPMed below 0.00001; gnomAD 0.00001.
gnomAD v4.1: 6 of 1,591,506 alleles (0.00038%); highest among the groups gnomAD compares: African/African-American, 0.0013%; no homozygotes.

Submissions (2):

Labcorp Genetics (formerly Invitae), Labcorp
Classification: Uncertain significance for Facioscapulohumeral muscular dystrophy 2. Last evaluated: 2025-09-10. Review status: criteria provided, single submitter. Criteria: Invitae Variant Classification Sherloc (09022015). Collection method: clinical testing. Allele origin: germline.
Comment: This sequence change replaces alanine, which is neutral and non-polar, with valine, which is neutral and non-polar, at codon 146 of the SMCHD1 protein (p.Ala146Val). This variant is present in population databases (no rsID available, gnomAD 0.004%). This variant has not been reported in the literature in individuals affected with SMCHD1-related conditions. ClinVar contains an entry for this variant (Variation ID: 288437). Invitae Evidence Modeling of protein sequence and biophysical properties (such as structural, functional, and spatial information, amino acid conservation, physicochemical variation, residue mobility, and thermodynamic stability) indicates that this missense variant is expected to disrupt SMCHD1 protein function with a positive predictive value of 80%. In summary, the available evidence is currently insufficient to determine the role of this variant in disease. Therefore, it has been classified as a Variant of Uncertain Significance.

Eurofins Ntd Llc (ga)
Classification: Uncertain significance. Last evaluated: 2016-06-03. Review status: criteria provided, single submitter. Criteria: EGL Classification Definitions 2015. Collection method: clinical testing. Allele origin: germline. Observed: 1 variant allele, 1 heterozygote.